The following is an entry in ClinVar:

NM_024757.5(EHMT1):c.2280C>T (p.Asp760=)

Gene: EHMT1 (euchromatic histone lysine methyltransferase 1; plus strand). Cytogenetic location: 9q34.3.
Variant type: single nucleotide variant.
Coding change: c.2280C>T on transcript NM_024757.5 (MANE Select); coding-DNA position 2280, C replaced by T.
Protein change: p.Asp760=; no amino-acid change (aspartic acid 760 retained).
Molecular consequence: synonymous variant.
Genome position (GRCh38, 1-based): chr9:137,782,295, C>T. VCF-style: chr9-137782295-C-T. GRCh37 (hg19) VCF-style: chr9-140676747-C-T.
Other names: c.2280C>T, p.Asp760= (NM_001145527.2); c.2187C>T, p.Asp729= (NM_001354259.2); c.2259C>T, p.Asp753= (NM_001354263.2).
Identifiers: ClinVar variation 531872 (VCV000531872.28), dbSNP rs372779658, ClinGen allele CA5374891.

ClinVar aggregate classification (germline): Benign/Likely benign. Review status: criteria provided, multiple submitters, no conflicts (2 of 4 stars). 6 submissions from 6 submitters: Benign (1); Likely benign (5). Last evaluated 2026-01-01.

Conditions:
Inborn genetic diseases. Identifiers: MedGen C0950123, MeSH D030342.
Kleefstra syndrome 1 (KLEFS1). Identifiers: Orphanet 261494, MedGen C0795833, MONDO:0027407, OMIM 610253.

Allele frequency attached by ClinVar (database versions not stated): TOPMed 0.00040; gnomAD exomes 0.00011 and 0.00016; 1000 Genomes Project 30x 0.00016; ExAC 0.00018; 1000 Genomes Project 0.00020; ESP Exome Variant Server 0.00023; gnomAD 0.00028 and 0.00029.
gnomAD v4.1: 220 of 1,613,274 alleles (0.014%); highest among the groups gnomAD compares: Admixed American, 0.055%; no homozygotes.

Submissions (6):

Labcorp Genetics (formerly Invitae), Labcorp
Classification: Likely benign for Kleefstra syndrome 1. Last evaluated: 2026-01-01. Review status: criteria provided, single submitter. Criteria: Invitae Variant Classification Sherloc (09022015). Collection method: clinical testing. Allele origin: germline.

CeGaT Center for Human Genetics Tuebingen
Classification: Likely benign. Last evaluated: 2025-08-01. Review status: criteria provided, single submitter. Criteria: CeGaT Center For Human Genetics Tuebingen Variant Classification Criteria Version 2. Collection method: clinical testing. Allele origin: germline. Affected: yes. Observed: 1 variant allele.
Comment: EHMT1: BP4, BP7

Blueprint Genetics
Classification: Likely benign. Last evaluated: 2024-10-29. Review status: criteria provided, single submitter. Criteria: ACMG Guidelines, 2015. Collection method: clinical testing. Allele origin: germline.

GeneDx
Classification: Benign. Last evaluated: 2018-11-14. Review status: criteria provided, single submitter. Criteria: GeneDx Variant Classification Process June 2021. Collection method: clinical testing. Allele origin: germline. Affected: yes.

Ambry Genetics
Classification: Likely benign for Inborn genetic diseases. Last evaluated: 2016-04-04. Review status: criteria provided, single submitter. Criteria: Ambry Variant Classification Scheme 2023. Collection method: clinical testing. Allele origin: germline.

Breakthrough Genomics
Classification: Likely benign. Review status: criteria provided, single submitter. Criteria: ACMG Guidelines, 2015. Collection method: not provided. Allele origin: germline. Inheritance: Autosomal dominant inheritance. Affected: yes.